The following is an entry in ClinVar:

ClinVar aggregate classification (germline): Uncertain significance. Review status: criteria provided, multiple submitters, no conflicts (2 of 4 stars). 2 submissions from 2 submitters: Uncertain significance (2). Last evaluated 2022-09-26.

Allele frequency attached by ClinVar (database versions not stated): gnomAD exomes below 0.00001; TOPMed below 0.00001.
gnomAD v4.1: 4 of 1,609,502 alleles (0.00025%); highest among the groups gnomAD compares: Non-Finnish European, 0.00034%; no homozygotes.

Submissions (2):

GeneDx
Classification: Uncertain significance. Last evaluated: 2022-09-26. Review status: criteria provided, single submitter. Criteria: GeneDx Variant Classification Process June 2021. Collection method: clinical testing. Allele origin: germline. Affected: yes.
Comment: Not observed at significant frequency in large population cohorts (gnomAD); In silico analysis supports that this missense variant has a deleterious effect on protein structure/function; Has not been previously published as pathogenic or benign to our knowledge

Labcorp Genetics (formerly Invitae), Labcorp
Classification: Uncertain significance. Last evaluated: 2022-07-22. Review status: criteria provided, single submitter. Criteria: Invitae Variant Classification Sherloc (09022015). Collection method: clinical testing. Allele origin: germline.
Comment: This sequence change replaces tyrosine, which is neutral and polar, with cysteine, which is neutral and slightly polar, at codon 1341 of the LRPPRC protein (p.Tyr1341Cys). This variant is not present in population databases (gnomAD no frequency). This variant has not been reported in the literature in individuals affected with LRPPRC-related conditions. Algorithms developed to predict the effect of missense changes on protein structure and function (SIFT, PolyPhen-2, Align-GVGD) all suggest that this variant is likely to be disruptive. In summary, the available evidence is currently insufficient to determine the role of this variant in disease. Therefore, it has been classified as a Variant of Uncertain Significance.

NM_133259.4(LRPPRC):c.4022A>G (p.Tyr1341Cys)

Gene: LRPPRC (leucine rich pentatricopeptide repeat containing; minus strand). Cytogenetic location: 2p21.
Variant type: single nucleotide variant.
Coding change: c.4022A>G on transcript NM_133259.4 (MANE Select); coding-DNA position 4022, A replaced by G.
Protein change: p.Tyr1341Cys; replaces tyrosine 1341 with cysteine.
Molecular consequence: missense variant.
Genome position (GRCh38, 1-based): chr2:43,889,840, T>C on the plus strand (A>G on the coding strand, the complement: LRPPRC is on the minus strand). VCF-style: chr2-43889840-T-C. GRCh37 (hg19) VCF-style: chr2-44116979-T-C.
Other names: c.4022A>G (NM_133259.3); short protein forms Y1341C.
Identifiers: ClinVar variation 1719859 (VCV001719859.3), dbSNP rs946479294, ClinGen allele CA46497054.
Genomic context (GRCh38, chr2:43,889,840, plus strand): 5'-GATGCGTAACGCTTTAGAAACAGATCATCCAATTTTGTATTCTTTGCAGTCAAATGTTCA[T>C]ACAGTGCTTTAGCAGATGTGACATCTTTCTCTGAGACTGACATAAAGAAAAAAATATATT-3'
Protein context (NP_573566.2, residues 1331-1351): EKDVTSAKAL[Tyr1341Cys]EHLTAKNTKL